The following is an entry in ClinVar:

ClinVar aggregate classification (germline): Uncertain significance (1 of 4 stars; one submission).

Conditions:
Dilated cardiomyopathy 1G (CMD1G). Identifiers: Orphanet 154, MedGen C1858763, MONDO:0011400, OMIM 604145.
Autosomal recessive limb-girdle muscular dystrophy type 2J (LGMDR10). Also called: Limb-girdle muscular dystrophy, type 2J; MUSCULAR DYSTROPHY, LIMB-GIRDLE, AUTOSOMAL RECESSIVE 10. Identifiers: Orphanet 140922, MedGen C1837342, MONDO:0012127, OMIM 608807.

Submission:

Labcorp Genetics (formerly Invitae), Labcorp
Classification: Uncertain significance for Dilated cardiomyopathy 1G; Autosomal recessive limb-girdle muscular dystrophy type 2J. Last evaluated: 2024-08-19. Review status: criteria provided, single submitter. Criteria: Invitae Variant Classification Sherloc (09022015). Collection method: clinical testing. Allele origin: germline.
Comment: This sequence change replaces valine, which is neutral and non-polar, with leucine, which is neutral and non-polar, at codon 35386 of the TTN protein (p.Val35386Leu). This variant is not present in population databases (gnomAD no frequency). This variant has not been reported in the literature in individuals affected with TTN-related conditions. An algorithm developed to predict the effect of missense changes on protein structure and function outputs the following: PolyPhen-2: "Not Available". The leucine amino acid residue is found in multiple mammalian species, which suggests that this missense change does not adversely affect protein function. This variant is located in the M band of TTN (PMID: 25589632). Non-truncating variants in this region may be relevant for neuromuscular disorders, but have not been definitively shown to cause cardiomyopathy (PMID: 23975875). In summary, the available evidence is currently insufficient to determine the role of this variant in disease. Therefore, it has been classified as a Variant of Uncertain Significance.

Literature cited by the submitters: PubMed 25589632; PubMed 23975875.

NM_001267550.2(TTN):c.106156G>C (p.Val35386Leu)

Genes: TTN (titin; minus strand), TTN-AS1 (TTN antisense RNA 1; plus strand), LOC129935182 (ATAC-STARR-seq lymphoblastoid active region 16807; plus strand). Cytogenetic location: 2q31.2.
Variant type: single nucleotide variant.
Coding change: c.106156G>C on transcript NM_001267550.2 (MANE Select); coding-DNA position 106156, G replaced by C.
Protein change: p.Val35386Leu; replaces valine 35386 with leucine.
Molecular consequence: missense variant.
Genome position (GRCh38, 1-based): chr2:178,530,459, C>G on the plus strand (G>C on the coding strand, the complement: TTN is on the minus strand). VCF-style: chr2-178530459-C-G. GRCh37 (hg19) VCF-style: chr2-179395186-C-G.
Other names: c.101233G>C, p.Val33745Leu (NM_001256850.1); c.78961G>C, p.Val26321Leu (NM_003319.4); c.98452G>C, p.Val32818Leu (NM_133378.4); c.79336G>C, p.Val26446Leu (NM_133432.3); c.79537G>C, p.Val26513Leu (NM_133437.4); short protein forms V26321L, V26446L, V26513L, V32818L, V33745L, V35386L.
Identifiers: ClinVar variation 3757738 (VCV003757738.2).